The following is an entry in ClinVar:

NM_032782.5(HAVCR2):c.211G>A (p.Asp71Asn)

Gene: HAVCR2 (hepatitis A virus cellular receptor 2; minus strand). Cytogenetic location: 5q33.3.
Variant type: single nucleotide variant.
Coding change: c.211G>A on transcript NM_032782.5 (MANE Select); coding-DNA position 211, G replaced by A.
Protein change: p.Asp71Asn; replaces aspartic acid 71 with asparagine.
Molecular consequence: missense variant.
Genome position (GRCh38, 1-based): chr5:157,106,810, C>T on the plus strand (G>A on the coding strand, the complement: HAVCR2 is on the minus strand). VCF-style: chr5-157106810-C-T. GRCh37 (hg19) VCF-style: chr5-156533821-C-T.
Other names: short protein forms D71N.
Identifiers: ClinVar variation 4848037 (VCV004848037.1).
Genomic context (GRCh38, chr5:157,106,810, plus strand): 5'-CTTTGCGGAAATCCCCATTTAGCCAGTATCTGGATGTCCAATAATTCACATCCCTTTCAT[C>T]AGTCCTGAGCACCACGTTGCCACATTCAAACACAGGACAGGCTCCTTTGCCCCAGCAGAC-3'
Protein context (NP_116171.3, residues 61-81): FECGNVVLRT[Asp71Asn]ERDVNYWTSR

ClinVar aggregate classification (germline): Uncertain significance (1 of 4 stars; one submission).

gnomAD v4.1: 13 of 1,614,228 alleles (0.00081%); highest among the groups gnomAD compares: South Asian, 0.0022%; no homozygotes.

Submission:

Women's Health and Genetics/Laboratory Corporation of America, LabCorp
Classification: Uncertain significance. Last evaluated: 2026-02-04. Review status: criteria provided, single submitter. Criteria: LabCorp Variant Classification Summary - May 2015. Collection method: clinical testing. Allele origin: germline.
Comment: Variant summary: HAVCR2 c.211G>A (p.Asp71Asn) results in a conservative amino acid change in the encoded protein sequence. Algorithms developed to predict the effect of missense changes on protein structure and function are either unavailable or do not agree on the potential impact of this missense change. The variant allele was found at a frequency of 4e-06 in 251440 control chromosomes. The available data on variant occurrences in the general population are insufficient to allow any conclusion about variant significance. To our knowledge, no occurrence of c.211G>A in individuals affected with HAVCR2-related conditions and no experimental evidence demonstrating its impact on protein function have been reported. No submitters have cited clinical-significance assessments for this variant to ClinVar. Based on the evidence outlined above, the variant was classified as uncertain significance.